The following is an entry in ClinVar:

NM_017780.4(CHD7):c.5722A>C (p.Thr1908Pro)

Gene: CHD7 (chromodomain helicase DNA binding protein 7; plus strand). Cytogenetic location: 8q12.2.
Variant type: single nucleotide variant.
Coding change: c.5722A>C on transcript NM_017780.4 (MANE Select); coding-DNA position 5722, A replaced by C.
Protein change: p.Thr1908Pro; replaces threonine 1908 with proline.
Molecular consequence: missense variant. On other transcripts: intron variant (1).
Genome position (GRCh38, 1-based): chr8:60,852,075, A>C. VCF-style: chr8-60852075-A-C. GRCh37 (hg19) VCF-style: chr8-61764634-A-C.
Other names: c.5722A>C (NM_017780.2); c.1717-10154A>C (NM_001316690.1); short protein forms T1908P.
Identifiers: ClinVar variation 570947 (VCV000570947.10), dbSNP rs1329534393, ClinGen allele CA371322523.

ClinVar aggregate classification (germline): Conflicting classifications of pathogenicity. Review status: criteria provided, conflicting classifications (1 of 4 stars). 3 submissions from 3 submitters: Uncertain significance (1); Benign (1); Likely benign (1). Last evaluated 2026-07-01.

Conditions:
CHARGE syndrome (CHARGE). Also called: Hittner Hirsch Kreh syndrome; Coloboma, heart anomaly, choanal atresia, retardation, genital and ear anomalies; CHARGE association; Hall-Hittner syndrome; CHARGE ASSOCIATION--COLOBOMA, HEART ANOMALY, CHOANAL ATRESIA, RETARDATION, GENITAL AND EAR ANOMALIES. Identifiers: Orphanet 138, MedGen C0265354, MONDO:0008965.

Allele frequency attached by ClinVar (database versions not stated): gnomAD exomes 0.00001.
gnomAD v4.1: 4 of 1,613,938 alleles (0.00025%); highest among the groups gnomAD compares: Admixed American, 0.0067%; no homozygotes.

Submissions (3):

CeGaT Center for Human Genetics Tuebingen
Classification: Likely benign. Last evaluated: 2026-07-01. Review status: criteria provided, single submitter. Criteria: CeGaT Center For Human Genetics Tuebingen Variant Classification Criteria Version 2. Collection method: clinical testing. Allele origin: germline. Affected: yes. Observed: 1 variant allele.
Comment: CHD7: BP4

Labcorp Genetics (formerly Invitae), Labcorp
Classification: Benign for CHARGE syndrome. Last evaluated: 2024-12-10. Review status: criteria provided, single submitter. Criteria: Invitae Variant Classification Sherloc (09022015). Collection method: clinical testing. Allele origin: germline.

GeneDx
Classification: Uncertain significance. Last evaluated: 2024-04-18. Review status: criteria provided, single submitter. Criteria: GeneDx Variant Classification Process June 2021. Collection method: clinical testing. Allele origin: germline. Affected: yes.
Comment: In silico analysis indicates that this missense variant does not alter protein structure/function; Has not been previously published as pathogenic or benign to our knowledge